The following is an entry in ClinVar:

NM_004973.4(JARID2):c.1148A>G (p.Asn383Ser)

Gene: JARID2 (jumonji and AT-rich interaction domain containing 2; plus strand). Cytogenetic location: 6p22.3.
Variant type: single nucleotide variant.
Coding change: c.1148A>G on transcript NM_004973.4 (MANE Select); coding-DNA position 1148, A replaced by G.
Protein change: p.Asn383Ser; replaces asparagine 383 with serine.
Molecular consequence: missense variant.
Genome position (GRCh38, 1-based): chr6:15,496,373, A>G. VCF-style: chr6-15496373-A-G. GRCh37 (hg19) VCF-style: chr6-15496604-A-G.
Other names: c.632A>G, p.Asn211Ser (NM_001267040.1); c.1148A>G (NM_004973.3); short protein forms N383S, N211S.
Identifiers: ClinVar variation 2230536 (VCV002230536.3), dbSNP rs763898041, ClinGen allele CA3642794.

ClinVar aggregate classification (germline): Uncertain significance. Review status: criteria provided, multiple submitters, no conflicts (2 of 4 stars). 2 submissions from 2 submitters: Uncertain significance (2). Last evaluated 2022-10-11.

Conditions:
Inborn genetic diseases. Identifiers: MedGen C0950123, MeSH D030342.
JARID2-related disorder. Also called: JARID2-related condition.

Allele frequency attached by ClinVar (database versions not stated): ExAC 0.00001.
gnomAD v4.1: 15 of 1,614,036 alleles (0.00093%); highest among the groups gnomAD compares: Admixed American, 0.015%; no homozygotes.

Submissions (2):

PreventionGenetics, part of Exact Sciences
Classification: Uncertain significance for JARID2-related condition. Last evaluated: 2022-10-11. Review status: criteria provided, single submitter. Criteria: ACMG Guidelines, 2015. Collection method: clinical testing. Allele origin: germline.
Comment: The JARID2 c.1148A>G variant is predicted to result in the amino acid substitution p.Asn383Ser. This variant was reported in an individual with cardiovascular malformations, but its pathogenicity was not clarified by functional or familial segregation studies (Li et al. 2017. PubMed ID: 29089047). This variant is reported in 0.0087% of alleles in individuals of Latino descent in gnomAD. At this time, the clinical significance of this variant is uncertain due to the absence of conclusive functional and genetic evidence.

Ambry Genetics
Classification: Uncertain significance for Inborn genetic diseases. Last evaluated: 2021-03-31. Review status: criteria provided, single submitter. Criteria: Ambry Variant Classification Scheme 2023. Collection method: clinical testing. Allele origin: germline.